The following is an entry in ClinVar:

ClinVar aggregate classification (germline): Uncertain significance. Review status: criteria provided, multiple submitters, no conflicts (2 of 4 stars). 2 submissions from 2 submitters: Uncertain significance (2). Last evaluated 2024-08-19.

Allele frequency attached by ClinVar (database versions not stated): TOPMed 0.00001.
gnomAD v4.1: 5 of 1,612,336 alleles (0.00031%); highest among the groups gnomAD compares: Non-Finnish European, 0.00042%; no homozygotes.

Submissions (2):

Women's Health and Genetics/Laboratory Corporation of America, LabCorp
Classification: Uncertain significance. Last evaluated: 2024-08-19. Review status: criteria provided, single submitter. Criteria: LabCorp Variant Classification Summary - May 2015. Collection method: clinical testing. Allele origin: germline.
Comment: Variant summary: RASA2 c.929G>A (p.Arg310Gln) results in a conservative amino acid change in the encoded protein sequence. Four of five in-silico tools predict a damaging effect of the variant on protein function. The variant was absent in 249678 control chromosomes. The available data on variant occurrences in the general population are insufficient to allow any conclusion about variant significance. To our knowledge, no occurrence of c.929G>A in individuals affected with Noonan Syndrome and no experimental evidence demonstrating its impact on protein function have been reported. ClinVar contains an entry for this variant (Variation ID: 1349403). Based on the evidence outlined above, the variant was classified as uncertain significance.

Labcorp Genetics (formerly Invitae), Labcorp
Classification: Uncertain significance. Last evaluated: 2024-03-23. Review status: criteria provided, single submitter. Criteria: Invitae Variant Classification Sherloc (09022015). Collection method: clinical testing. Allele origin: germline.
Comment: This sequence change replaces arginine, which is basic and polar, with glutamine, which is neutral and polar, at codon 310 of the RASA2 protein (p.Arg310Gln). This variant is not present in population databases (gnomAD no frequency). This variant has not been reported in the literature in individuals affected with RASA2-related conditions. ClinVar contains an entry for this variant (Variation ID: 1349403). Advanced modeling of protein sequence and biophysical properties (such as structural, functional, and spatial information, amino acid conservation, physicochemical variation, residue mobility, and thermodynamic stability) performed at Invitae indicates that this missense variant is expected to disrupt RASA2 protein function with a positive predictive value of 80%. In summary, the available evidence is currently insufficient to determine the role of this variant in disease. Therefore, it has been classified as a Variant of Uncertain Significance.

NM_006506.5(RASA2):c.929G>A (p.Arg310Gln)

Gene: RASA2 (RAS p21 protein activator 2; plus strand). Cytogenetic location: 3q23.
Variant type: single nucleotide variant.
Coding change: c.929G>A on transcript NM_006506.5 (MANE Select); coding-DNA position 929, G replaced by A.
Protein change: p.Arg310Gln; replaces arginine 310 with glutamine.
Molecular consequence: missense variant.
Genome position (GRCh38, 1-based): chr3:141,570,977, G>A. VCF-style: chr3-141570977-G-A. GRCh37 (hg19) VCF-style: chr3-141289819-G-A.
Other names: c.929G>A, p.Arg310Gln (NM_001303245.3, NM_001303246.3); short protein forms R310Q.
Identifiers: ClinVar variation 1349403 (VCV001349403.7), dbSNP rs2082909350, ClinGen allele CA354775198.